The following is an entry in ClinVar:

NM_000124.4(ERCC6):c.2739dup (p.Thr914fs)

Genes: ERCC6 (ERCC excision repair 6, chromatin remodeling factor; minus strand), LOC126860933 (BRD4-independent group 4 enhancer GRCh37_chr10:50679962-50681161; plus strand). Cytogenetic location: 10q11.23.
Variant type: Duplication.
Coding change: c.2739dup on transcript NM_000124.4 (MANE Select); coding-DNA position 2739, one base duplicated (C; older notation c.2739dupC).
Protein change: p.Thr914fs; shifts the reading frame from threonine 914.
Molecular consequence: frameshift variant.
Genome position (GRCh38, 1-based): chr10:49,472,999, G duplicated on the plus strand (C on the coding strand, the reverse complement: ERCC6 is on the minus strand); the first of 2 consecutive G bases (chr10:49,472,999-49,473,000); duplicating either gives the same sequence. VCF-style (leftmost placement, unchanged base first): chr10-49472998-T-TG. GRCh37 (hg19) VCF-style: chr10-50681044-T-TG.
Other names: c.2739dup, p.Thr914fs (NM_001346440.2); short protein forms T914fs.
Identifiers: ClinVar variation 5013308 (VCV005013308.1).

ClinVar aggregate classification (germline): Pathogenic (1 of 4 stars; one submission).

Conditions:
Cockayne spectrum with or without cerebrooculofacioskeletal syndrome. Identifiers: MedGen CN315928, MONDO:0100506.

Submission:

Myriad Genetics, Inc.
Classification: Pathogenic for Cockayne spectrum with or without cerebrooculofacioskeletal syndrome. Last evaluated: 2024-07-11. Review status: criteria provided, single submitter. Criteria: Myriad Autosomal Dominant, Autosomal Recessive and X-Linked Classification Criteria (2023). Collection method: clinical testing. Allele origin: unknown.
Comment: NM_000124.2(ERCC6):c.2739dupC(T914Hfs*20) is expected to be pathogenic in the context of ERCC6-related disorders. This variant is predicted to lead to an abnormal or absent protein product due to the creation of a premature termination codon in ERCC6, a gene where loss-of-function variants are known to be pathogenic. Please note: this variant was assessed in the context of healthy population screening.